The following is an entry in ClinVar:

NM_001009944.3(PKD1):c.10403C>G (p.Ser3468Ter)

Gene: PKD1 (polycystin 1, transient receptor potential channel interacting; minus strand). Cytogenetic location: 16p13.3.
Variant type: single nucleotide variant.
Coding change: c.10403C>G on transcript NM_001009944.3 (MANE Select); coding-DNA position 10403, C replaced by G.
Protein change: p.Ser3468Ter; replaces serine 3468 with a stop codon.
Molecular consequence: nonsense.
Genome position (GRCh38, 1-based): chr16:2,097,321, G>C on the plus strand (C>G on the coding strand, the complement: PKD1 is on the minus strand). VCF-style: chr16-2097321-G-C. GRCh37 (hg19) VCF-style: chr16-2147322-G-C.
Other names: c.10400C>G, p.Ser3467Ter (NM_000296.4); short protein forms S3467*, S3468*.
Identifiers: ClinVar variation 4848423 (VCV004848423.1).

ClinVar aggregate classification (germline): Pathogenic (1 of 4 stars; one submission).

Conditions:
Polycystic kidney disease, adult type (PKD1). Also called: Polycystic Kidney Disease 1, Autosomal Dominant; Polycystic kidney disease 1; Polycystic kidney disease 1, severe; POLYCYSTIC KIDNEY DISEASE 1 WITH OR WITHOUT POLYCYSTIC LIVER DISEASE; POLYCYSTIC KIDNEY DISEASE, ADULT, TYPE I; Polycystic Kidney, Autosomal Dominant. Identifiers: MedGen C3149841, MONDO:0008263, OMIM 173900.

Submission:

Women's Health and Genetics/Laboratory Corporation of America, LabCorp
Classification: Pathogenic for Polycystic kidney disease, adult type. Last evaluated: 2026-04-20. Review status: criteria provided, single submitter. Criteria: LabCorp Variant Classification Summary - May 2015. Collection method: clinical testing. Allele origin: germline.
Comment: Variant summary: PKD1 c.10403C>G (p.Ser3468X) results in a premature termination codon, predicted to cause a truncation of the encoded protein or absence of the protein due to nonsense mediated decay, which are commonly known mechanisms for disease. The variant was absent in 247986 control chromosomes (gnomAD). c.10403C>G has been observed in an individual affected with autosomal dominant Polycystic Kidney Disease 1 (e.g. Rossetti_2007). To our knowledge, no experimental evidence demonstrating an impact on protein function has been reported. The following publication has been ascertained in the context of this evaluation (PMID: 17582161). No submitters have cited clinical-significance assessments for this variant to ClinVar. Based on the evidence outlined above, the variant was classified as pathogenic.

Literature cited by the submitters: PubMed 17582161.